The following is an entry in ClinVar:

ClinVar aggregate classification (germline): Pathogenic (1 of 4 stars; one submission).

Submission:

Labcorp Genetics (formerly Invitae), Labcorp
Classification: Pathogenic. Last evaluated: 2022-01-03. Review status: criteria provided, single submitter. Criteria: Invitae Variant Classification Sherloc (09022015). Collection method: clinical testing. Allele origin: germline.
Comment: For these reasons, this variant has been classified as Pathogenic. This variant has not been reported in the literature in individuals affected with ASPM-related conditions. This variant is not present in population databases (gnomAD no frequency). This sequence change creates a premature translational stop signal (p.Ala28Argfs*44) in the ASPM gene. It is expected to result in an absent or disrupted protein product. Loss-of-function variants in ASPM are known to be pathogenic (PMID: 19028728, 23611254).

Literature cited by the submitters: PubMed 19028728; PubMed 23611254.

NM_018136.5(ASPM):c.77dup (p.Ala28fs)

Gene: ASPM (assembly factor for spindle microtubules; minus strand). Cytogenetic location: 1q31.3.
Variant type: Duplication.
Coding change: c.77dup on transcript NM_018136.5 (MANE Select); coding-DNA position 77, one base duplicated (G; older notation c.77dupG).
Protein change: p.Ala28fs; shifts the reading frame from alanine 28.
Molecular consequence: frameshift variant.
Genome position (GRCh38, 1-based): chr1:197,146,361, C duplicated on the plus strand (G on the coding strand, the reverse complement: ASPM is on the minus strand); the first of 4 consecutive C bases (chr1:197,146,361-197,146,364); duplicating any one gives the same sequence. VCF-style (leftmost placement, unchanged base first): chr1-197146360-G-GC. GRCh37 (hg19) VCF-style: chr1-197115490-G-GC.
Other names: c.77dup, p.Ala28fs (NM_001206846.2); short protein forms A28fs.
Identifiers: ClinVar variation 1452144 (VCV001452144.6), dbSNP rs199422131, ClinGen allele CA1217947780.